The following is an entry in ClinVar:

ClinVar aggregate classification (germline): Pathogenic/Likely pathogenic. Review status: criteria provided, multiple submitters, no conflicts (2 of 4 stars). 2 submissions from 2 submitters: Pathogenic (1); Likely pathogenic (1). Last evaluated 2025-10-08.

Conditions:
XFE progeroid syndrome (XFEPS). Also called: XPF-ERCC1 PROGEROID SYNDROME. Identifiers: MedGen C1970416, MONDO:0012590, OMIM 610965.
Xeroderma pigmentosum, group F (XPF). Also called: XERODERMA PIGMENTOSUM, COMPLEMENTATION GROUP F; ERCC4-Related Xeroderma Pigmentosum; XERODERMA PIGMENTOSUM VI; XP, GROUP F; XERODERMA PIGMENTOSUM, TYPE F; Xeroderma pigmentosum, type 6. Identifiers: MedGen C0268140, MONDO:0010215, OMIM 278760.
Fanconi anemia complementation group Q. Identifiers: Orphanet 84, MedGen C3808988, MONDO:0014108, OMIM 615272.
Cockayne syndrome. Identifiers: Orphanet 191, MedGen C0009207, MONDO:0016006.

Submissions (2):

Labcorp Genetics (formerly Invitae), Labcorp
Classification: Pathogenic for Fanconi anemia complementation group Q; Xeroderma pigmentosum, group F; Cockayne syndrome. Last evaluated: 2025-10-08. Review status: criteria provided, single submitter. Criteria: Invitae Variant Classification Sherloc (09022015). Collection method: clinical testing. Allele origin: germline.
Comment: This sequence change creates a premature translational stop signal (p.Arg468Aspfs*25) in the ERCC4 gene. It is expected to result in an absent or disrupted protein product. Loss-of-function variants in ERCC4 are known to be pathogenic (PMID: 9580660). This variant is not present in population databases (gnomAD no frequency). This variant has not been reported in the literature in individuals affected with ERCC4-related conditions. ClinVar contains an entry for this variant (Variation ID: 2952742). For these reasons, this variant has been classified as Pathogenic.

Fulgent Genetics
Classification: Likely pathogenic for Xeroderma pigmentosum, group F; XFE progeroid syndrome; Fanconi anemia complementation group Q. Last evaluated: 2024-04-24. Review status: criteria provided, single submitter. Criteria: ACMG Guidelines, 2015. Collection method: clinical testing. Allele origin: germline.

Literature cited by the submitters: PubMed 9580660 (cited by Labcorp Genetics (formerly Invitae), Labcorp).

NM_005236.3(ERCC4):c.1402del (p.Arg468fs)

Gene: ERCC4 (ERCC excision repair 4, endonuclease catalytic subunit; plus strand). Cytogenetic location: 16p13.12.
Variant type: Deletion.
Coding change: c.1402del on transcript NM_005236.3 (MANE Select); coding-DNA position 1402, one base deleted (A; older notation c.1402delA).
Protein change: p.Arg468fs; shifts the reading frame from arginine 468.
Molecular consequence: frameshift variant.
Genome position (GRCh38, 1-based): chr16:13,935,334, A deleted; the last of 4 consecutive A bases (chr16:13,935,331-13,935,334); deleting any one gives the same sequence. VCF-style (leftmost placement, unchanged base first): chr16-13935330-CA-C. GRCh37 (hg19) VCF-style: chr16-14029187-CA-C.
Other names: short protein forms R468fs.
Identifiers: ClinVar variation 2952742 (VCV002952742.4), dbSNP rs1258096180, ClinGen allele CA718296916.
Genomic context (GRCh38, chr16:13,935,330, plus strand): 5'-TGAAGAAGTCTGGATGAAATTTAGGAAGGAAGACAGTTCAAAGAGAATTAGGAAATCTCA[CA>C]AAAGACCTAAAGACCCCCAAAACAAAGAACGGGCTTCTACCAAAGAAAGAACCCTCAAAA-3'